The following is an entry in ClinVar:

NM_004385.5(VCAN):c.9718del (p.Thr3240fs)

Genes: VCAN (versican; plus strand), VCAN-AS1 (VCAN antisense RNA 1; minus strand), LOC126807443 (BRD4-independent group 4 enhancer GRCh37_chr5:82849966-82851165; plus strand). Cytogenetic location: 5q14.3.
Variant type: Deletion.
Coding change: c.9718del on transcript NM_004385.5 (MANE Select); coding-DNA position 9718, one base deleted (A; older notation c.9718delA).
Protein change: p.Thr3240fs; shifts the reading frame from threonine 3240.
Molecular consequence: frameshift variant.
Genome position (GRCh38, 1-based): chr5:83,555,021, A deleted. VCF-style (leftmost placement, unchanged base first): chr5-83555020-GA-G. GRCh37 (hg19) VCF-style: chr5-82850839-GA-G.
Other names: c.1495del, p.Thr499fs (NM_001126336.3); c.6757del, p.Thr2253fs (NM_001164097.2); c.4456del, p.Thr1486fs (NM_001164098.2); short protein forms T1486fs, T499fs, T2253fs, T3240fs.
Identifiers: ClinVar variation 2810205 (VCV002810205.3), dbSNP rs2479155657, ClinGen allele CA2739274847.
Genomic context (GRCh38, chr5:83,555,020, plus strand): 5'-GGGCCATGATTATCAGTGGATAGGCCTCAATGACAAGATGTTTGAGCATGACTTCCGTTG[GA>G]CTGATGGCAGCACACTGGTAAGATGCCCTTGAAAATGATGTCAAGTTCTACCTTCTGGAA-3'

ClinVar aggregate classification (germline): Uncertain significance (1 of 4 stars; one submission).

Submission:

Labcorp Genetics (formerly Invitae), Labcorp
Classification: Uncertain significance. Last evaluated: 2023-04-17. Review status: criteria provided, single submitter. Criteria: Invitae Variant Classification Sherloc (09022015). Collection method: clinical testing. Allele origin: germline.
Comment: This sequence change creates a premature translational stop signal (p.Thr3240Leufs*28) in the VCAN gene. However, it is currently unclear if loss-of-function variants that occur in this region of the gene cause disease. This variant is not present in population databases (gnomAD no frequency). This variant has not been reported in the literature in individuals affected with VCAN-related conditions. In summary, the available evidence is currently insufficient to determine the role of this variant in disease. Therefore, it has been classified as a Variant of Uncertain Significance.